The following is an entry in ClinVar:

ClinVar aggregate classification (germline): Conflicting classifications of pathogenicity. Review status: criteria provided, conflicting classifications (1 of 4 stars). 2 submissions from 2 submitters: Uncertain significance (1); Likely benign (1). Last evaluated 2026-03-27.

Allele frequency attached by ClinVar (database versions not stated): gnomAD exomes 0.00001; gnomAD 0.00001; TOPMed 0.00001.
gnomAD v4.1: 4 of 1,613,224 alleles (0.00025%); highest among the groups gnomAD compares: African/African-American, 0.004%; no homozygotes.

Submissions (2):

Molecular Diagnostic Laboratory for Inherited Cardiovascular Disease, Montreal Heart Institute
Classification: Likely benign. Last evaluated: 2026-03-27. Review status: criteria provided, single submitter. Criteria: ACMG Guidelines, 2015. Collection method: clinical testing. Allele origin: germline. Affected: no.

GeneDx
Classification: Uncertain significance. Last evaluated: 2014-04-16. Review status: criteria provided, single submitter. Criteria: GeneDx Variant Classification (06012015). Collection method: clinical testing. Allele origin: germline. Affected: yes.
Comment: Missense variants in the TTN gene are considered 'unclassified' if they are not previously reported in the literature and do not have >1% frequency in the population to be considered a polymorphism. Research indicates that truncating mutations in the TTN gene are expected to account for approximately 25% of familial and 18% of sporadic idiopathic DCM; however, truncating variants in the TTN gene have been reported in approximately 3% of reported control alleles. There has been little investigation into non-truncating variants. (Herman D et al. Truncations of titin causing dilated cardiomyopathy. N Eng J Med 366:619-628, 2012) The variant is found in DCM-CRDM panel(s).

NM_001267550.2(TTN):c.25247C>T (p.Thr8416Ile)

Gene: TTN (titin; minus strand). Cytogenetic location: 2q31.2.
Variant type: single nucleotide variant.
Coding change: c.25247C>T on transcript NM_001267550.2 (MANE Select); coding-DNA position 25247, C replaced by T.
Protein change: p.Thr8416Ile; replaces threonine 8416 with isoleucine.
Molecular consequence: missense variant. On other transcripts: intron variant (3).
Genome position (GRCh38, 1-based): chr2:178,717,627, G>A on the plus strand (C>T on the coding strand, the complement: TTN is on the minus strand). VCF-style: chr2-178717627-G-A. GRCh37 (hg19) VCF-style: chr2-179582354-G-A.
Other names: p.T8099I:ACT>ATT; c.24296C>T, p.Thr8099Ile (NM_001256850.1); c.21515C>T, p.Thr7172Ile (NM_133378.4); c.13282+20455C>T (NM_003319.4); c.13858+20455C>T (NM_133437.4); c.13657+20455C>T (NM_133432.3); short protein forms T8099I, T8416I, T7172I.
Identifiers: ClinVar variation 203336 (VCV000203336.3), dbSNP rs794729631, ClinGen allele CA312076.